The following is an entry in ClinVar:

NM_001621.5(AHR):c.1978G>A (p.Val660Met)

Gene: AHR (aryl hydrocarbon receptor; plus strand). Cytogenetic location: 7p21.1.
Variant type: single nucleotide variant.
Coding change: c.1978G>A on transcript NM_001621.5 (MANE Select); coding-DNA position 1978, G replaced by A.
Protein change: p.Val660Met; replaces valine 660 with methionine.
Molecular consequence: missense variant.
Genome position (GRCh38, 1-based): chr7:17,339,803, G>A. VCF-style: chr7-17339803-G-A. GRCh37 (hg19) VCF-style: chr7-17379427-G-A.
Other names: c.1978G>A (NM_001621.4); short protein forms V660M.
Identifiers: ClinVar variation 1124242 (VCV001124242.11), dbSNP rs146989897, ClinGen allele CA4172212.

ClinVar aggregate classification (germline): Likely benign. Review status: criteria provided, single submitter (1 of 4 stars). 2 submissions from 2 submitters: Likely benign (1). 1 of the submissions does not count toward it. Last evaluated 2025-12-15.

Conditions:
AHR-related disorder. Also called: AHR-related condition.

Allele frequency attached by ClinVar (database versions not stated): gnomAD exomes 0.00035; ExAC 0.00050; gnomAD 0.00138; TOPMed 0.00145; ESP Exome Variant Server 0.00169; 1000 Genomes Project 0.00240; 1000 Genomes Project 30x 0.00265.
gnomAD v4.1: 420 of 1,614,164 alleles (0.026%); highest among the groups gnomAD compares: African/African-American, 0.49%; 2 homozygotes.

Submissions (2):

Labcorp Genetics (formerly Invitae), Labcorp
Classification: Likely benign. Last evaluated: 2025-12-15. Review status: criteria provided, single submitter. Criteria: Invitae Variant Classification Sherloc (09022015). Collection method: clinical testing. Allele origin: germline.

PreventionGenetics, part of Exact Sciences
Classification: Likely benign for AHR-related condition. Last evaluated: 2022-02-01. Review status: no assertion criteria provided. Collection method: clinical testing. Allele origin: germline. Not counted in ClinVar's aggregate classification.
Comment: This variant is classified as likely benign based on ACMG/AMP sequence variant interpretation guidelines (Richards et al. 2015 PMID: 25741868, with internal and published modifications).